The following is an entry in ClinVar:

ClinVar aggregate classification (germline): Uncertain significance. Review status: criteria provided, multiple submitters, no conflicts (2 of 4 stars). 2 submissions from 2 submitters: Uncertain significance (2). Last evaluated 2025-07-06.

Conditions:
Inborn genetic diseases. Identifiers: MedGen C0950123, MeSH D030342.
Atrioventricular septal defect 5 (AVSD5). Identifiers: MedGen C3280939, MONDO:0013769, OMIM 614474.

gnomAD v4.1: 1 of 1,166,090 alleles (0.000086%); no homozygotes.

Submissions (2):

Labcorp Genetics (formerly Invitae), Labcorp
Classification: Uncertain significance for Atrioventricular septal defect 5. Last evaluated: 2025-07-06. Review status: criteria provided, single submitter. Criteria: Invitae Variant Classification Sherloc (09022015). Collection method: clinical testing. Allele origin: germline.
Comment: This sequence change replaces alanine, which is neutral and non-polar, with valine, which is neutral and non-polar, at codon 256 of the GATA6 protein (p.Ala256Val). This variant is not present in population databases (gnomAD no frequency). This variant has not been reported in the literature in individuals affected with GATA6-related conditions. ClinVar contains an entry for this variant (Variation ID: 3519067). Invitae Evidence Modeling of protein sequence and biophysical properties (such as structural, functional, and spatial information, amino acid conservation, physicochemical variation, residue mobility, and thermodynamic stability) indicates that this missense variant is not expected to disrupt GATA6 protein function with a negative predictive value of 80%. In summary, the available evidence is currently insufficient to determine the role of this variant in disease. Therefore, it has been classified as a Variant of Uncertain Significance.

Ambry Genetics
Classification: Uncertain significance for Inborn genetic diseases. Last evaluated: 2024-07-02. Review status: criteria provided, single submitter. Criteria: Ambry Variant Classification Scheme 2023. Collection method: clinical testing. Allele origin: germline.

NM_005257.6(GATA6):c.767C>T (p.Ala256Val)

Gene: GATA6 (GATA binding protein 6; plus strand). Cytogenetic location: 18q11.2.
Variant type: single nucleotide variant.
Coding change: c.767C>T on transcript NM_005257.6 (MANE Select); coding-DNA position 767, C replaced by T.
Protein change: p.Ala256Val; replaces alanine 256 with valine.
Molecular consequence: missense variant.
Genome position (GRCh38, 1-based): chr18:22,171,911, C>T. VCF-style: chr18-22171911-C-T. GRCh37 (hg19) VCF-style: chr18-19751872-C-T.
Other names: short protein forms A256V.
Identifiers: ClinVar variation 3519067 (VCV003519067.2).